The following is an entry in ClinVar:

ClinVar aggregate classification (germline): Uncertain significance. Review status: criteria provided, multiple submitters, no conflicts (2 of 4 stars). 2 submissions from 2 submitters: Uncertain significance (2). Last evaluated 2024-03-15.

Conditions:
DICER1-related tumor predisposition. Also called: DICER1-related pleuropulmonary blastoma cancer predisposition syndrome; DICER1 syndrome. Identifiers: Orphanet 284343, MedGen C3839822, MONDO:0100216.
Hereditary cancer-predisposing syndrome. Also called: Neoplastic Syndromes, Hereditary; Hereditary Cancer Syndrome; Hereditary neoplastic syndrome; Tumor predisposition. Identifiers: Orphanet 140162, MedGen C0027672, MeSH D009386, MONDO:0015356.

Submissions (2):

Labcorp Genetics (formerly Invitae), Labcorp
Classification: Uncertain significance for DICER1-related tumor predisposition. Last evaluated: 2024-03-15. Review status: criteria provided, single submitter. Criteria: Invitae Variant Classification Sherloc (09022015). Collection method: clinical testing. Allele origin: germline.
Comment: This sequence change replaces proline, which is neutral and non-polar, with alanine, which is neutral and non-polar, at codon 1471 of the DICER1 protein (p.Pro1471Ala). This variant is not present in population databases (gnomAD no frequency). This variant has not been reported in the literature in individuals affected with DICER1-related conditions. ClinVar contains an entry for this variant (Variation ID: 824874). Algorithms developed to predict the effect of missense changes on protein structure and function output the following: SIFT: "Not Available"; PolyPhen-2: "Benign"; Align-GVGD: "Not Available". The alanine amino acid residue is found in multiple mammalian species, which suggests that this missense change does not adversely affect protein function. In summary, the available evidence is currently insufficient to determine the role of this variant in disease. Therefore, it has been classified as a Variant of Uncertain Significance.

Ambry Genetics
Classification: Uncertain significance for Hereditary cancer-predisposing syndrome. Last evaluated: 2023-10-24. Review status: criteria provided, single submitter. Criteria: Ambry Variant Classification Scheme 2023. Collection method: clinical testing. Allele origin: germline.
Comment: The p.P1471A variant (also known as c.4411C>G), located in coding exon 22 of the DICER1 gene, results from a C to G substitution at nucleotide position 4411. The proline at codon 1471 is replaced by alanine, an amino acid with highly similar properties. This amino acid position is well conserved in available vertebrate species. In addition, this alteration is predicted to be tolerated by in silico analysis. Since supporting evidence is limited at this time, the clinical significance of this alteration remains unclear.

NM_177438.3(DICER1):c.4411C>G (p.Pro1471Ala)

Gene: DICER1 (dicer 1, ribonuclease III; minus strand). Cytogenetic location: 14q32.13.
Variant type: single nucleotide variant.
Coding change: c.4411C>G on transcript NM_177438.3 (MANE Select); coding-DNA position 4411, C replaced by G.
Protein change: p.Pro1471Ala; replaces proline 1471 with alanine.
Molecular consequence: missense variant.
Genome position (GRCh38, 1-based): chr14:95,096,509, G>C on the plus strand (C>G on the coding strand, the complement: DICER1 is on the minus strand). VCF-style: chr14-95096509-G-C. GRCh37 (hg19) VCF-style: chr14-95562846-G-C.
Other names: c.4411C>G, p.Pro1471Ala (NM_001195573.1, NM_001271282.3, NM_001291628.2 and 1 more transcripts); short protein forms P1471A.
Identifiers: ClinVar variation 824874 (VCV000824874.12), dbSNP rs764066711, ClinGen allele CA390868750.